The following is an entry in ClinVar:

ClinVar aggregate classification (germline): Conflicting classifications of pathogenicity. Review status: criteria provided, conflicting classifications (1 of 4 stars). 4 submissions from 4 submitters: Uncertain significance (2); Likely benign (1). 1 of the submissions does not count toward it. Last evaluated 2022-08-13.

Conditions:
Hereditary insensitivity to pain with anhidrosis (CIPA). Also called: NEUROPATHY, CONGENITAL SENSORY, WITH ANHIDROSIS; hereditary sensory and autonomic neuropathy type 4; FAMILIAL DYSAUTONOMIA, TYPE II; INSENSITIVITY TO PAIN, CONGENITAL, WITH ANHIDROSIS; HSAN Type IV; NTRK1 Congenital Insensitivity to Pain with Anhidrosis. Identifiers: Orphanet 642, MedGen C0020074, MONDO:0009746, OMIM 256800.
Inborn genetic diseases. Identifiers: MedGen C0950123, MeSH D030342.

Allele frequency attached by ClinVar (database versions not stated): ExAC 0.00002; gnomAD 0.00002; gnomAD exomes 0.00002; TOPMed 0.00003.
gnomAD v4.1: 122 of 1,613,906 alleles (0.0076%); highest among the groups gnomAD compares: Non-Finnish European, 0.0092%; no homozygotes.

Submissions (4):

Labcorp Genetics (formerly Invitae), Labcorp
Classification: Uncertain significance for Hereditary insensitivity to pain with anhidrosis. Last evaluated: 2022-08-13. Review status: criteria provided, single submitter. Criteria: Invitae Variant Classification Sherloc (09022015). Collection method: clinical testing. Allele origin: germline.
Comment: This sequence change replaces threonine, which is neutral and polar, with methionine, which is neutral and non-polar, at codon 428 of the NTRK1 protein (p.Thr428Met). This variant is present in population databases (rs771342578, gnomAD 0.006%). This variant has not been reported in the literature in individuals affected with NTRK1-related conditions. ClinVar contains an entry for this variant (Variation ID: 569204). Advanced modeling of protein sequence and biophysical properties (such as structural, functional, and spatial information, amino acid conservation, physicochemical variation, residue mobility, and thermodynamic stability) performed at Invitae indicates that this missense variant is not expected to disrupt NTRK1 protein function. In summary, the available evidence is currently insufficient to determine the role of this variant in disease. Therefore, it has been classified as a Variant of Uncertain Significance.

Ambry Genetics
Classification: Likely benign for Inborn genetic diseases. Last evaluated: 2022-07-09. Review status: criteria provided, single submitter. Criteria: Ambry Variant Classification Scheme 2023. Collection method: clinical testing. Allele origin: germline.

Department of Pathology and Laboratory Medicine, Sinai Health System
Classification: Uncertain significance for hereditary sensory and autonomic neuropathy type 4. Last evaluated: 2021-01-06. Review status: criteria provided, single submitter. Criteria: ACMG Guidelines, 2015. Collection method: research. Allele origin: germline.

Natera, Inc.
Classification: Uncertain significance for Hereditary insensitivity to pain with anhidrosis. Last evaluated: 2020-04-17. Review status: no assertion criteria provided. Collection method: clinical testing. Allele origin: germline. Not counted in ClinVar's aggregate classification.

NM_002529.4(NTRK1):c.1301C>T (p.Thr434Met)

Gene: NTRK1 (neurotrophic receptor tyrosine kinase 1; plus strand). Cytogenetic location: 1q23.1.
Variant type: single nucleotide variant.
Coding change: c.1301C>T on transcript NM_002529.4 (MANE Select); coding-DNA position 1301, C replaced by T.
Protein change: p.Thr434Met; replaces threonine 434 with methionine.
Molecular consequence: missense variant.
Genome position (GRCh38, 1-based): chr1:156,874,955, C>T. VCF-style: chr1-156874955-C-T. GRCh37 (hg19) VCF-style: chr1-156844747-C-T.
Other names: c.1193C>T, p.Thr398Met (NM_001007792.1); c.1283C>T, p.Thr428Met (NM_001012331.2); short protein forms T428M, T398M, T434M.
Identifiers: ClinVar variation 569204 (VCV000569204.7), dbSNP rs771342578, ClinGen allele CA1169274.